The following is an entry in ClinVar:

NM_000429.3(MAT1A):c.841G>A (p.Ala281Thr)

Gene: MAT1A (methionine adenosyltransferase 1A; minus strand). Cytogenetic location: 10q22.3.
Variant type: single nucleotide variant.
Coding change: c.841G>A on transcript NM_000429.3 (MANE Select); coding-DNA position 841, G replaced by A.
Protein change: p.Ala281Thr; replaces alanine 281 with threonine.
Molecular consequence: missense variant.
Genome position (GRCh38, 1-based): chr10:80,275,127, C>T on the plus strand (G>A on the coding strand, the complement: MAT1A is on the minus strand). VCF-style: chr10-80275127-C-T. GRCh37 (hg19) VCF-style: chr10-82034883-C-T.
Other names: short protein forms A281T.
Identifiers: ClinVar variation 2040728 (VCV002040728.4), dbSNP rs2492486655, ClinGen allele CA377360764.

ClinVar aggregate classification (germline): Uncertain significance (1 of 4 stars; one submission).

Conditions:
Hepatic methionine adenosyltransferase deficiency. Also called: Deficiency of methionine adenosyltransferase; MAT I/III DEFICIENCY; Methionine adenosyltransferase deficiency; Isolated Persistent Hypermethioninemia. Identifiers: Orphanet 168598, MedGen C0268621, MeSH C564683, MONDO:0009607, OMIM 250850.

Submission:

Labcorp Genetics (formerly Invitae), Labcorp
Classification: Uncertain significance for Hepatic methionine adenosyltransferase deficiency. Last evaluated: 2022-01-15. Review status: criteria provided, single submitter. Criteria: Invitae Variant Classification Sherloc (09022015). Collection method: clinical testing. Allele origin: germline.
Comment: In summary, the available evidence is currently insufficient to determine the role of this variant in disease. Therefore, it has been classified as a Variant of Uncertain Significance. This sequence change replaces alanine, which is neutral and non-polar, with threonine, which is neutral and polar, at codon 281 of the MAT1A protein (p.Ala281Thr). This variant is not present in population databases (gnomAD no frequency). This missense change has been observed in individual(s) with clinical features of hypermethioninemia (Invitae). Algorithms developed to predict the effect of missense changes on protein structure and function (SIFT, PolyPhen-2, Align-GVGD) all suggest that this variant is likely to be disruptive.